The following is an entry in ClinVar:

NM_000540.3(RYR1):c.4708-1G>C

Gene: RYR1 (ryanodine receptor 1; plus strand). Cytogenetic location: 19q13.2.
Variant type: single nucleotide variant.
Coding change: c.4708-1G>C on transcript NM_000540.3 (MANE Select); the canonical splice acceptor site of the intron before coding-DNA position 4708, G replaced by C.
Molecular consequence: splice acceptor variant.
Genome position (GRCh38, 1-based): chr19:38,483,289, G>C. VCF-style: chr19-38483289-G-C. GRCh37 (hg19) VCF-style: chr19-38973929-G-C.
Other names: c.4708-1G>C (NM_001042723.2).
Identifiers: ClinVar variation 2101279 (VCV002101279.4), dbSNP rs2514212793, ClinGen allele CA405650015.

ClinVar aggregate classification (germline): Likely pathogenic (1 of 4 stars; one submission).

Conditions:
RYR1-related disorder. Also called: RYR1-related condition; RYR1-related disorders. Identifiers: MedGen CN239331.

Submission:

Labcorp Genetics (formerly Invitae), Labcorp
Classification: Likely pathogenic for RYR1-related disorder. Last evaluated: 2022-02-21. Review status: criteria provided, single submitter. Criteria: Invitae Variant Classification Sherloc (09022015). Collection method: clinical testing. Allele origin: germline.
Comment: In summary, the currently available evidence indicates that the variant is pathogenic, but additional data are needed to prove that conclusively. Therefore, this variant has been classified as Likely Pathogenic. Algorithms developed to predict the effect of sequence changes on RNA splicing suggest that this variant may disrupt the consensus splice site. This variant has not been reported in the literature in individuals affected with RYR1-related conditions. This variant is not present in population databases (gnomAD no frequency). This sequence change affects an acceptor splice site in intron 32 of the RYR1 gene. It is expected to disrupt RNA splicing. Variants that disrupt the donor or acceptor splice site typically lead to a loss of protein function (PMID: 16199547), and loss-of-function variants in RYR1 are known to be pathogenic (PMID: 20583297, 20839240, 23919265, 28818389).

Literature cited by the submitters: PubMed 16199547; PubMed 20583297; PubMed 20839240; PubMed 23919265; PubMed 28818389.